The following is an entry in ClinVar:

ClinVar aggregate classification (germline): Pathogenic/Likely pathogenic. Review status: criteria provided, multiple submitters, no conflicts (2 of 4 stars). 2 submissions from 2 submitters: Pathogenic (1); Likely pathogenic (1). Last evaluated 2022-08-07.

Conditions:
Primary ciliary dyskinesia. Also called: Ciliary dyskinesia. Identifiers: Orphanet 244, MedGen C0008780, MONDO:0016575, HP:0012265.
RPGR-related disorder. Also called: RPGR-related condition.

Submissions (2):

Labcorp Genetics (formerly Invitae), Labcorp
Classification: Pathogenic for Primary ciliary dyskinesia. Last evaluated: 2022-08-07. Review status: criteria provided, single submitter. Criteria: Invitae Variant Classification Sherloc (09022015). Collection method: clinical testing. Allele origin: germline.
Comment: For these reasons, this variant has been classified as Pathogenic. ClinVar contains an entry for this variant (Variation ID: 975135). This variant has not been reported in the literature in individuals affected with RPGR-related conditions. This variant is not present in population databases (gnomAD no frequency). This sequence change creates a premature translational stop signal (p.Ser596*) in the RPGR gene. It is expected to result in an absent or disrupted protein product. Loss-of-function variants in RPGR are known to be pathogenic (PMID: 16055928, 16969763).

Blueprint Genetics
Classification: Likely pathogenic for RPGR-related disorders. Last evaluated: 2019-10-07. Review status: criteria provided, single submitter. Criteria: ACMG Guidelines, 2015. Collection method: clinical testing. Allele origin: germline. Affected: yes. Observed: 1 variant allele.

Literature cited by the submitters: PubMed 16055928 (cited by Labcorp Genetics (formerly Invitae), Labcorp); PubMed 16969763 (cited by Labcorp Genetics (formerly Invitae), Labcorp).

NM_001034853.2(RPGR):c.1787C>A (p.Ser596Ter)

Gene: RPGR (retinitis pigmentosa GTPase regulator; minus strand). Cytogenetic location: Xp11.4.
Variant type: single nucleotide variant.
Coding change: c.1787C>A on transcript NM_001034853.2 (MANE Select); coding-DNA position 1787, C replaced by A.
Protein change: p.Ser596Ter; replaces serine 596 with a stop codon.
Molecular consequence: nonsense. On other transcripts: non-coding transcript variant (2), intron variant (5).
Genome position (GRCh38, 1-based): chrX:38,287,212, G>T on the plus strand (C>A on the coding strand, the complement: RPGR is on the minus strand). VCF-style: chrX-38287212-G-T. GRCh37 (hg19) VCF-style: chrX-38146465-G-T.
Other names: c.1787C>A, p.Ser596Ter (NM_000328.3); c.1784C>A, p.Ser595Ter (NM_001367245.1); c.1601C>A, p.Ser534Ter (NM_001367246.1); c.1569+3747C>A (NM_001367249.1, NM_001367250.1); c.1386+3747C>A (NM_001367251.1); c.1572+3747C>A (NM_001367247.1); c.1602+3747C>A (NM_001367248.1); short protein forms S534*, S595*, S596*.
Identifiers: ClinVar variation 975135 (VCV000975135.7), dbSNP rs2067202860, ClinGen allele CA412732961.